The following is an entry in ClinVar:

NM_001256789.3(CACNA1F):c.4313G>C (p.Arg1438Thr)

Gene: CACNA1F (calcium voltage-gated channel subunit alpha1 F; minus strand). Cytogenetic location: Xp11.23.
Variant type: single nucleotide variant.
Coding change: c.4313G>C on transcript NM_001256789.3 (MANE Select); coding-DNA position 4313, G replaced by C.
Protein change: p.Arg1438Thr; replaces arginine 1438 with threonine.
Molecular consequence: missense variant.
Genome position (GRCh38, 1-based): chrX:49,211,040, C>G on the plus strand (G>C on the coding strand, the complement: CACNA1F is on the minus strand). VCF-style: chrX-49211040-C-G. GRCh37 (hg19) VCF-style: chrX-49067500-C-G.
Other names: c.4151G>C, p.Arg1384Thr (NM_001256790.3); c.4346G>C, p.Arg1449Thr (NM_005183.4); short protein forms R1438T, R1384T, R1449T.
Identifiers: ClinVar variation 5007570 (VCV005007570.2).

ClinVar aggregate classification (germline): Uncertain significance (1 of 4 stars; one submission).

Conditions:
Aland island eye disease (AIED). Also called: Forsius Eriksson type ocular albinism. Identifiers: Orphanet 178333, MedGen C0268505, MONDO:0010371, OMIM 300600.
Congenital stationary night blindness 2A (CSNB2A). Also called: NIGHT BLINDNESS, CONGENITAL STATIONARY, TYPE 2; Night blindness, congenital stationary (incomplete), 2A, X-linked; CACNA1F-Related X-Linked Congenital Stationary Night Blindness; CSNB, INCOMPLETE, X-LINKED. Identifiers: Orphanet 215, MedGen C1848172, MONDO:0010241, OMIM 300071.
X-linked cone-rod dystrophy 3 (CORDX3). Identifiers: Orphanet 1872, MedGen C1845407, MONDO:0010335, OMIM 300476.

Submission:

Juno Genomics, Hangzhou Juno Genomics, Inc
Classification: Uncertain significance for Aland island eye disease; X-linked cone-rod dystrophy 3; Congenital stationary night blindness 2A. Review status: criteria provided, single submitter. Criteria: ACMG Guidelines, 2015. Collection method: clinical testing. Allele origin: germline.
Comment: Absent from controls (or at extremely low frequency if recessive) in Genome Aggregation Database.;Multiple lines of computational evidence support a deleterious effect on the gene or gene product.